The following is an entry in ClinVar:

ClinVar aggregate classification (germline): Uncertain significance (1 of 4 stars; one submission).

gnomAD v4.1: 12 of 1,614,152 alleles (0.00074%); highest among the groups gnomAD compares: Middle Eastern, 0.016%; no homozygotes.

Submission:

Women's Health and Genetics/Laboratory Corporation of America, LabCorp
Classification: Uncertain significance. Last evaluated: 2024-05-01. Review status: criteria provided, single submitter. Criteria: LabCorp Variant Classification Summary - May 2015. Collection method: clinical testing. Allele origin: germline.
Comment: Variant summary: MYO15A c.9221T>C (p.Met3074Thr) results in a non-conservative amino acid change located in the MyTH4 domain (IPR000857) of the encoded protein sequence. Three of five in-silico tools predict a benign effect of the variant on protein function. The variant allele was found at a frequency of 1.2e-05 in 249502 control chromosomes (gnomAD). The available data on variant occurrences in the general population are insufficient to allow any conclusion about variant significance. c.9221T>C has been reported in the literature in an individual affected with Autosomal Recessive Nonsyndromic Hearing Loss without strong evidence of causality (Jung_2017). This report does not provide unequivocal conclusions about association of the variant with Autosomal Recessive Nonsyndromic Hearing Loss 3. To our knowledge, no experimental evidence demonstrating an impact on protein function has been reported. The following publication has been ascertained in the context of this evaluation (PMID: 28383030). No submitters have cited clinical-significance assessments for this variant to ClinVar. Based on the evidence outlined above, the variant was classified as uncertain significance.

Literature cited by the submitters: PubMed 28383030.

NM_016239.4(MYO15A):c.9221T>C (p.Met3074Thr)

Gene: MYO15A (myosin XVA; plus strand). Cytogenetic location: 17p11.2.
Variant type: single nucleotide variant.
Coding change: c.9221T>C on transcript NM_016239.4 (MANE Select); coding-DNA position 9221, T replaced by C.
Protein change: p.Met3074Thr; replaces methionine 3074 with threonine.
Molecular consequence: missense variant.
Genome position (GRCh38, 1-based): chr17:18,159,339, T>C. VCF-style: chr17-18159339-T-C. GRCh37 (hg19) VCF-style: chr17-18062653-T-C.
Other names: short protein forms M3074T.
Identifiers: ClinVar variation 3336294 (VCV003336294.1).